The following is an entry in ClinVar:

NM_001128840.3(CACNA1D):c.5714C>T (p.Ser1905Phe)

Gene: CACNA1D (calcium voltage-gated channel subunit alpha1 D; plus strand). Cytogenetic location: 3p21.1.
Variant type: single nucleotide variant.
Coding change: c.5714C>T on transcript NM_001128840.3 (MANE Select); coding-DNA position 5714, C replaced by T.
Protein change: p.Ser1905Phe; replaces serine 1905 with phenylalanine.
Molecular consequence: missense variant.
Genome position (GRCh38, 1-based): chr3:53,805,111, C>T. VCF-style: chr3-53805111-C-T. GRCh37 (hg19) VCF-style: chr3-53839138-C-T.
Other names: c.5774C>T, p.Ser1925Phe (NM_000720.4); c.5642C>T, p.Ser1881Phe (NM_001128839.3); short protein forms S1881F, S1905F, S1925F.
Identifiers: ClinVar variation 1714347 (VCV001714347.5), dbSNP rs2474508948, ClinGen allele CA353254759.

ClinVar aggregate classification (germline): Uncertain significance (1 of 4 stars; one submission).

Submission:

Labcorp Genetics (formerly Invitae), Labcorp
Classification: Uncertain significance. Last evaluated: 2025-07-14. Review status: criteria provided, single submitter. Criteria: Invitae Variant Classification Sherloc (09022015). Collection method: clinical testing. Allele origin: germline.
Comment: This sequence change replaces serine, which is neutral and polar, with phenylalanine, which is neutral and non-polar, at codon 1925 of the CACNA1D protein (p.Ser1925Phe). This variant is not present in population databases (gnomAD no frequency). This variant has not been reported in the literature in individuals affected with CACNA1D-related conditions. ClinVar contains an entry for this variant (Variation ID: 1714347). An algorithm developed to predict the effect of missense changes on protein structure and function (PolyPhen-2) suggests that this variant is likely to be disruptive. In summary, the available evidence is currently insufficient to determine the role of this variant in disease. Therefore, it has been classified as a Variant of Uncertain Significance.